The following is an entry in ClinVar:

ClinVar aggregate classification (germline): Likely benign (1 of 4 stars; one submission).

Conditions:
ADCY3-related disorder. Also called: ADCY3-related condition.

gnomAD v4.1: 3 of 1,613,886 alleles (0.00019%); highest among the groups gnomAD compares: East Asian, 0.0067%; no homozygotes.

Submission:

PreventionGenetics, part of Exact Sciences
Classification: Likely benign for ADCY3-related condition. Last evaluated: 2025-01-15. Review status: criteria provided, single submitter. Criteria: ACMG Guidelines, 2015. Collection method: clinical testing. Allele origin: germline.
Comment: This variant is classified as likely benign based on ACMG/AMP sequence variant interpretation guidelines (Richards et al. 2015 PMID: 25741868, with internal and published modifications).

NM_004036.5(ADCY3):c.1329C>T (p.Asn443=)

Gene: ADCY3 (adenylate cyclase 3; minus strand). Cytogenetic location: 2p23.3.
Variant type: single nucleotide variant.
Coding change: c.1329C>T on transcript NM_004036.5 (MANE Select); coding-DNA position 1329, C replaced by T.
Protein change: p.Asn443=; no amino-acid change (asparagine 443 retained).
Molecular consequence: synonymous variant.
Genome position (GRCh38, 1-based): chr2:24,839,899, G>A on the plus strand (C>T on the coding strand, the complement: ADCY3 is on the minus strand). VCF-style: chr2-24839899-G-A. GRCh37 (hg19) VCF-style: chr2-25062768-G-A.
Other names: c.1329C>T, p.Asn443= (NM_001320613.2, NM_001377128.1, NM_001377129.1 and 2 more transcripts); c.606C>T, p.Asn202= (NM_001377131.1).
Identifiers: ClinVar variation 4982192 (VCV004982192.1).